The following is an entry in ClinVar:

ClinVar aggregate classification (germline): Benign (1 of 4 stars; one submission).

Allele frequency attached by ClinVar (database versions not stated): gnomAD 0.50278 and 0.50663; TOPMed 0.52968; 1000 Genomes Project 30x 0.59541; 1000 Genomes Project 0.59744.
gnomAD v4.1: 77,026 of 152,072 alleles (51%); highest among the groups gnomAD compares: East Asian, 81%; 20,662 homozygotes.

Submission:

GeneDx
Classification: Benign. Last evaluated: 2018-06-14. Review status: criteria provided, single submitter. Criteria: GeneDx Variant Classification (06012015). Collection method: clinical testing. Allele origin: germline. Affected: yes.
Comment: This variant is considered likely benign or benign based on one or more of the following criteria: it is a conservative change, it occurs at a poorly conserved position in the protein, it is predicted to be benign by multiple in silico algorithms, and/or has population frequency not consistent with disease.

NM_000168.6(GLI3):c.1647+226C>A

Gene: GLI3 (GLI family zinc finger 3; minus strand). Cytogenetic location: 7p14.1.
Variant type: single nucleotide variant.
Coding change: c.1647+226C>A on transcript NM_000168.6 (MANE Select); 226 bases into the intron after coding-DNA position 1647, C replaced by A.
Molecular consequence: intron variant.
Genome position (GRCh38, 1-based): chr7:41,978,373, G>T on the plus strand (C>A on the coding strand, the complement: GLI3 is on the minus strand). VCF-style: chr7-41978373-G-T. GRCh37 (hg19) VCF-style: chr7-42017972-G-T.
Identifiers: ClinVar variation 681337 (VCV000681337.1), dbSNP rs4724086, ClinGen allele CA12464403.